The following is an entry in ClinVar:

ClinVar aggregate classification (germline): Uncertain significance (1 of 4 stars; one submission).

Conditions:
Haddad syndrome (OHD). Also called: Ondine-Hirschsprung disease. Identifiers: Orphanet 99803, MedGen C1859049, MONDO:0020493.

Submission:

Labcorp Genetics (formerly Invitae), Labcorp
Classification: Uncertain significance for Haddad syndrome. Last evaluated: 2021-01-20. Review status: criteria provided, single submitter. Criteria: Invitae Variant Classification Sherloc (09022015). Collection method: clinical testing. Allele origin: germline.
Comment: This variant is not present in population databases (ExAC no frequency). This variant has not been reported in the literature in individuals with PHOX2B-related disease. Algorithms developed to predict the effect of missense changes on protein structure and function (SIFT, PolyPhen-2, Align-GVGD) all suggest that this variant is likely to be disruptive, but these predictions have not been confirmed by published functional studies and their clinical significance is uncertain. In summary, the available evidence is currently insufficient to determine the role of this variant in disease. Therefore, it has been classified as a Variant of Uncertain Significance. This sequence change replaces cysteine with tyrosine at codon 57 of the PHOX2B protein (p.Cys57Tyr). The cysteine residue is highly conserved and there is a large physicochemical difference between cysteine and tyrosine.

NM_003924.4(PHOX2B):c.170G>A (p.Cys57Tyr)

Genes: PHOX2B (paired like homeobox 2B; minus strand), PHOX2B-AS1 (PHOX2B antisense RNA 1; plus strand). Cytogenetic location: 4p13.
Variant type: single nucleotide variant.
Coding change: c.170G>A on transcript NM_003924.4 (MANE Select); coding-DNA position 170, G replaced by A.
Protein change: p.Cys57Tyr; replaces cysteine 57 with tyrosine.
Molecular consequence: missense variant.
Genome position (GRCh38, 1-based): chr4:41,748,441, C>T on the plus strand (G>A on the coding strand, the complement: PHOX2B is on the minus strand). VCF-style: chr4-41748441-C-T. GRCh37 (hg19) VCF-style: chr4-41750458-C-T.
Other names: short protein forms C57Y.
Identifiers: ClinVar variation 535776 (VCV000535776.10), dbSNP rs1553898212, ClinGen allele CA356740930.